The following is an entry in ClinVar:

ClinVar aggregate classification (germline): Pathogenic (1 of 4 stars; one submission).

Conditions:
Hypophosphatemic rickets, X-linked recessive (XLHRR). Identifiers: Orphanet 1652, Orphanet 93622, MedGen C1845168, MONDO:0010358, OMIM 300554.
Proteinuria, low molecular weight, with hypercalciuria and nephrocalcinosis. Identifiers: Orphanet 1652, Orphanet 93622, MedGen C1839874, MONDO:0010644, OMIM 308990.
Dent disease type 1 (DENT1). Also called: NEPHROLITHIASIS 2; NEPHROLITHIASIS, HYPERCALCIURIC, X-LINKED. Identifiers: Orphanet 1652, Orphanet 93622, MedGen C1848336, MONDO:0010225, OMIM 300009.
X-linked recessive nephrolithiasis with renal failure (XRN). Also called: NEPHROLITHIASIS 1; NEPHROLITHIASIS, X-LINKED RECESSIVE, TYPE 1; UROLITHIASIS, X-LINKED RECESSIVE, TYPE 1. Identifiers: Orphanet 1652, Orphanet 93622, MedGen C0403720, MONDO:0010687, OMIM 310468.

Submission:

Rare Kidney Stone Consortium and the Mayo Clinic Hyperoxaluria Center, Mayo Clinic
Classification: Pathogenic for Dent disease type 1; Hypophosphatemic rickets, X-linked recessive; X-linked recessive nephrolithiasis with renal failure; Proteinuria, low molecular weight, with hypercalciuria and nephrocalcinosis. Last evaluated: 2025-10-03. Review status: criteria provided, single submitter. Criteria: ACMG Guidelines, 2015. Collection method: research. Allele origin: germline. Affected: yes. Observed: 1 variant allele.
Comment: ACMG:PVS1, PM2, PM6, PP4

Literature cited by the submitters: PubMed 40794449.

NM_001127898.4(CLCN5):c.603+1G>T

Gene: CLCN5 (Cl-/H+ antiporter 5; plus strand). Cytogenetic location: Xp11.23.
Variant type: single nucleotide variant.
Coding change: c.603+1G>T on transcript NM_001127898.4 (MANE Select); the canonical splice donor site of the intron after coding-DNA position 603, G replaced by T.
Molecular consequence: splice donor variant.
Genome position (GRCh38, 1-based): chrX:50,075,983, G>T. VCF-style: chrX-50075983-G-T. GRCh37 (hg19) VCF-style: chrX-49840638-G-T.
Other names: c.615+1G>T (NM_001440757.1, NM_001440756.1); c.603+1G>T (NM_001127899.4); c.393+1G>T (NM_000084.5); c.453+1G>T (NM_001282163.2).
Identifiers: ClinVar variation 4526848 (VCV004526848.1).